The following is an entry in ClinVar:

NM_182914.3(SYNE2):c.8407G>A (p.Asp2803Asn)

Gene: SYNE2 (spectrin repeat containing nuclear envelope protein 2; plus strand). Cytogenetic location: 14q23.2.
Variant type: single nucleotide variant.
Coding change: c.8407G>A on transcript NM_182914.3 (MANE Select); coding-DNA position 8407, G replaced by A.
Protein change: p.Asp2803Asn; replaces aspartic acid 2803 with asparagine.
Molecular consequence: missense variant.
Genome position (GRCh38, 1-based): chr14:64,052,320, G>A. VCF-style: chr14-64052320-G-A. GRCh37 (hg19) VCF-style: chr14-64519038-G-A.
Other names: c.8407G>A, p.Asp2803Asn (NM_015180.6); short protein forms D2803N.
Identifiers: ClinVar variation 2067115 (VCV002067115.4), dbSNP rs369350235, ClinGen allele CA7221102.

ClinVar aggregate classification (germline): Uncertain significance (1 of 4 stars; one submission).

Conditions:
Emery-Dreifuss muscular dystrophy 5, autosomal dominant (EDMD5). Also called: EMERY-DREIFUSS MUSCULAR DYSTROPHY 5. Identifiers: Orphanet 261, MedGen C2751805, MONDO:0013072, OMIM 612999.

Allele frequency attached by ClinVar (database versions not stated): TOPMed 0.00008; gnomAD 0.00010; ESP Exome Variant Server 0.00025.
gnomAD v4.1: 41 of 1,614,156 alleles (0.0025%); highest among the groups gnomAD compares: Middle Eastern, 0.066%; 1 homozygote.

Submission:

Labcorp Genetics (formerly Invitae), Labcorp
Classification: Uncertain significance for Emery-Dreifuss muscular dystrophy 5, autosomal dominant. Last evaluated: 2025-08-04. Review status: criteria provided, single submitter. Criteria: Invitae Variant Classification Sherloc (09022015). Collection method: clinical testing. Allele origin: germline.
Comment: This sequence change replaces aspartic acid, which is acidic and polar, with asparagine, which is neutral and polar, at codon 2803 of the SYNE2 protein (p.Asp2803Asn). This variant is present in population databases (rs369350235, gnomAD 0.02%). This variant has not been reported in the literature in individuals affected with SYNE2-related conditions. ClinVar contains an entry for this variant (Variation ID: 2067115). An algorithm developed to predict the effect of missense changes on protein structure and function outputs the following: PolyPhen-2: "Benign". The asparagine amino acid residue is found in multiple mammalian species, which suggests that this missense change does not adversely affect protein function. In summary, the available evidence is currently insufficient to determine the role of this variant in disease. Therefore, it has been classified as a Variant of Uncertain Significance.